The following is an entry in ClinVar:

NM_001369.3(DNAH5):c.10195G>T (p.Val3399Leu)

Gene: DNAH5 (dynein axonemal heavy chain 5; minus strand). Cytogenetic location: 5p15.2.
Variant type: single nucleotide variant.
Coding change: c.10195G>T on transcript NM_001369.3 (MANE Select); coding-DNA position 10195, G replaced by T.
Protein change: p.Val3399Leu; replaces valine 3399 with leucine.
Molecular consequence: missense variant.
Genome position (GRCh38, 1-based): chr5:13,762,808, C>A on the plus strand (G>T on the coding strand, the complement: DNAH5 is on the minus strand). VCF-style: chr5-13762808-C-A. GRCh37 (hg19) VCF-style: chr5-13762917-C-A.
Other names: short protein forms V3399L.
Identifiers: ClinVar variation 4242575 (VCV004242575.1).

ClinVar aggregate classification (germline): Uncertain significance (1 of 4 stars; one submission).

Conditions:
Primary ciliary dyskinesia. Also called: Ciliary dyskinesia. Identifiers: Orphanet 244, MedGen C0008780, MONDO:0016575, HP:0012265.

gnomAD v4.1: 1 of 1,614,102 alleles (0.000062%); highest among the groups gnomAD compares: African/African-American, 0.0013%; no homozygotes.

Submission:

Ambry Genetics
Classification: Uncertain significance for Primary ciliary dyskinesia. Last evaluated: 2025-08-09. Review status: criteria provided, single submitter. Criteria: Ambry Variant Classification Scheme 2023. Collection method: clinical testing. Allele origin: germline.
Comment: The p.V3399L variant (also known as c.10195G>T), located in coding exon 60 of the DNAH5 gene, results from a G to T substitution at nucleotide position 10195. The valine at codon 3399 is replaced by leucine, an amino acid with highly similar properties. This amino acid position is conserved. In addition, the in silico prediction for this alteration is inconclusive. Based on the available evidence, the clinical significance of this variant remains unclear.